The following is an entry in ClinVar:

ClinVar aggregate classification (germline): Uncertain significance. Review status: criteria provided, multiple submitters, no conflicts (2 of 4 stars). 14 submissions from 14 submitters: Uncertain significance (11). 3 of the submissions do not count toward it. Last evaluated 2026-03-01.

Conditions:
MYH7-related disorder. Also called: MYH7-related disorders; MYH7-related condition; MYH7-related disease.
Cardiovascular phenotype. Identifiers: MedGen CN230736.
Cardiomyopathy (CMYO). Also called: Cardiomyopathies. Identifiers: Orphanet 167848, MedGen C0878544, MONDO:0004994, HP:0001638. Inheritance: Various modes of inheritance.
Dilated cardiomyopathy 1S (CMD1S). Identifiers: Orphanet 154, Orphanet 54260, MedGen C1834481, MONDO:0013262, OMIM 613426.
Hypertrophic cardiomyopathy. Also called: HYPERTROPHIC MYOCARDIOPATHY. Identifiers: Orphanet 217569, MedGen C0007194, MeSH D002312, MONDO:0005045, HP:0001639.

Allele frequency attached by ClinVar (database versions not stated): gnomAD 0.00001; TOPMed 0.00001; gnomAD exomes 0.00006; ExAC 0.00008.
gnomAD v4.1: 87 of 1,613,820 alleles (0.0054%); highest among the groups gnomAD compares: Non-Finnish European, 0.0067%; no homozygotes.

Submissions 1 to 7 of 14:

CeGaT Center for Human Genetics Tuebingen
Classification: Uncertain significance. Last evaluated: 2026-03-01. Review status: criteria provided, single submitter. Criteria: CeGaT Center For Human Genetics Tuebingen Variant Classification Criteria Version 2. Collection method: clinical testing. Allele origin: germline. Affected: yes. Observed: 2 variant alleles.
Comment: MYH7: PS4:Supporting

PreventionGenetics, part of Exact Sciences
Classification: Uncertain significance for MYH7-related condition. Last evaluated: 2025-12-23. Review status: criteria provided, single submitter. Criteria: ACMG Guidelines, 2015. Collection method: clinical testing. Allele origin: germline.
Comment: The MYH7 c.4717G>A variant is predicted to result in the amino acid substitution p.Glu1573Lys. This variant has been reported in individuals with Ebstein anomaly, left ventricular noncompaction, or dilated cardiomyopathy (Postma et al. 2011. PubMed ID: 21127202; Table S6, Haas et al. 2014. PubMed ID: 25163546; Table S3, Miszalski-Jamka et al. 2017. PubMed ID: 28798025; Table S4, Verdonschot et al. 2020. PubMed ID: 32880476). However, this variant was also documented in unaffected family members or control individuals (Postma et al. 2011. PubMed ID: 21127202; Table S6, Park et al. 2022. PubMed ID: 34542152). This variant is reported in 0.014% of alleles in individuals of European (Finnish) descent in gnomAD. At this time, the clinical significance of this variant is uncertain due to the absence of conclusive functional and genetic evidence.

Labcorp Genetics (formerly Invitae), Labcorp
Classification: Uncertain significance for Hypertrophic cardiomyopathy. Last evaluated: 2025-12-21. Review status: criteria provided, single submitter. Criteria: Invitae Variant Classification Sherloc (09022015). Collection method: clinical testing. Allele origin: germline.
Comment: This sequence change replaces glutamic acid, which is acidic and polar, with lysine, which is basic and polar, at codon 1573 of the MYH7 protein (p.Glu1573Lys). This variant is present in population databases (rs750987717, gnomAD 0.01%). This missense change has been observed in individual(s) with MYH7-related conditions (PMID: 21127202, 28798025, 30847666, 32880476). ClinVar contains an entry for this variant (Variation ID: 222729). Invitae Evidence Modeling of protein sequence and biophysical properties (such as structural, functional, and spatial information, amino acid conservation, physicochemical variation, residue mobility, and thermodynamic stability) indicates that this missense variant is expected to disrupt MYH7 protein function with a positive predictive value of 95%. In summary, the available evidence is currently insufficient to determine the role of this variant in disease. Therefore, it has been classified as a Variant of Uncertain Significance.

Ambry Genetics
Classification: Uncertain significance for Cardiovascular phenotype. Last evaluated: 2025-06-09. Review status: criteria provided, single submitter. Criteria: Ambry Variant Classification Scheme 2023. Collection method: clinical testing. Allele origin: germline.
Comment: The p.E1573K variant (also known as c.4717G>A), located in coding exon 32 of the MYH7 gene, results from a G to A substitution at nucleotide position 4717. The glutamic acid at codon 1573 is replaced by lysine, an amino acid with similar properties. This variant was detected in a proband with Ebstein's anomaly, mild apical hypertrabeculation and VSD, but was also detected in an unaffected parent (Postma AV et al. Circ Cardiovasc Genet, 2011 Feb;4:43-50). This variant has also been detected in a case reported to have left ventricular non-compaction, a case with dilated cardiomyopathy, and in a hypertrophic cardiomyopathy cohort; however, details were limited and additional variants in cardiac-related genes were also detected in some cases (Miszalski-Jamka K et al. Circ Cardiovasc Genet, 2017 Aug;10; Verdonschot JAJ et al. Circ Genom Precis Med, 2020 Oct;13:476-487; Harper AR et al. Nat Genet, 2021 Feb;53:135-142). This variant has also been detected in three individuals from an exome sequencing cohort who were not known to have cardiomyopathy or skeletal myopathy (Park J et al. Hum Mol Genet, 2022 Mar;31:827-837). This amino acid position is well conserved in available vertebrate species. In addition, this alteration is predicted to be deleterious by in silico analysis. Since supporting evidence is limited at this time, the clinical significance of this alteration remains unclear.

GeneDx
Classification: Uncertain significance. Last evaluated: 2025-04-25. Review status: criteria provided, single submitter. Criteria: GeneDx Variant Classification Process June 2021. Collection method: clinical testing. Allele origin: germline. Affected: yes.
Comment: In silico analysis supports that this missense variant has a deleterious effect on protein structure/function; Identified in an individual with cardiac defects and in an unaffected relative, as well as in an individual with left ventricular non-compation in the published literature (PMID: 28798025, 21127202); This variant is associated with the following publications: (PMID: 21127202, 32880476, 34542152, Vepslinen2022[CaseReport], 28798025)

Women's Health and Genetics/Laboratory Corporation of America, LabCorp
Classification: Uncertain significance. Last evaluated: 2025-03-31. Review status: criteria provided, single submitter. Criteria: LabCorp Variant Classification Summary - May 2015. Collection method: clinical testing. Allele origin: germline.
Comment: Variant summary: MYH7 c.4717G>A (p.Glu1573Lys) results in a conservative amino acid change located in the Myosin tail (IPR002928) of the encoded protein sequence. Three of five in-silico tools predict a damaging effect of the variant on protein function. The variant allele was found at a frequency of 6e-05 in 251370 control chromosomes. This frequency is not significantly higher than estimated for a pathogenic variant in MYH7 causing Cardiomyopathy (6e-05 vs 0.0013), allowing no conclusion about variant significance. c.4717G>A has been reported in the literature in individuals affected with Cardiomyopathy, Left ventricular hypertrabeculation, and Ebstein's anomaly (Jamka_2017, Verdonschot_2020, Postma_2011, Haas_2015). These reports do not provide unequivocal conclusions about association of the variant with Cardiomyopathy. Co-occurrences with another pathogenic variant has been reported (MYH7 c.2167C>T, p.Arg723Gly, internal data), providing supporting evidence for a benign role. To our knowledge, no experimental evidence demonstrating an impact on protein function has been reported. The following publications have been ascertained in the context of this evaluation (PMID: 25163546, 28798025, 21127202, 26150528, 32880476). ClinVar contains an entry for this variant (Variation ID: 222729). Based on the evidence outlined above, the variant was classified as uncertain significance.

All of Us Research Program, National Institutes of Health
Classification: Uncertain significance for Cardiomyopathy. Last evaluated: 2024-06-09. Review status: criteria provided, single submitter. Criteria: ACMG Guidelines, 2015. Collection method: clinical testing. Allele origin: germline. Inheritance: Autosomal dominant inheritance. Observed: 10 variant alleles, 10 heterozygotes.
Comment: This missense variant replaces glutamic acid with lysine at codon 1573 of the MYH7 protein. Computational prediction suggests that this variant may have deleterious impact on protein structure and function (internally defined REVEL score threshold >= 0.7, PMID: 27666373). To our knowledge, functional studies have not been reported for this variant. This variant has been reported in an individual affected with left ventricular non-compaction (PMID: 28798025) and in an individual with dilated cardiomyopathy (PMID: 32880476). This variant has also been reported in an individual affected with Ebstein anomaly and perimembranous ventricular septal defect, as well as in the unaffected father (PMID: 21127202). This variant has been identified in 15/251370 chromosomes in the general population by the Genome Aggregation Database (gnomAD). The available evidence is insufficient to determine the role of this variant in disease conclusively. Therefore, this variant is classified as a Variant of Uncertain Significance.

This study involves interpretation of variants in research participants for the purpose of population health screening. Participant phenotype was not available at the time of variant classification. Additional details can be found in publication PMID: 35346344, PMCID: PMC8962531

NM_000257.4(MYH7):c.4717G>A (p.Glu1573Lys)

Genes: MHRT (myosin heavy chain associated RNA transcript; plus strand), MYH7 (myosin heavy chain 7; minus strand), LOC126861897 (BRD4-independent group 4 enhancer GRCh37_chr14:23884455-23885654; plus strand). Cytogenetic location: 14q11.2.
Variant type: single nucleotide variant.
Coding change: c.4717G>A on transcript NM_000257.4 (MANE Select); coding-DNA position 4717, G replaced by A.
Protein change: p.Glu1573Lys; replaces glutamic acid 1573 with lysine.
Molecular consequence: missense variant. On other transcripts: non-coding transcript variant (1).
Genome position (GRCh38, 1-based): chr14:23,416,240, C>T on the plus strand (G>A on the coding strand, the complement: MYH7 is on the minus strand). VCF-style: chr14-23416240-C-T. GRCh37 (hg19) VCF-style: chr14-23885449-C-T.
Other names: short protein forms E1573K.
Identifiers: ClinVar variation 222729 (VCV000222729.74), dbSNP rs750987717, ClinGen allele CA043695.